The following is an entry in ClinVar:

ClinVar aggregate classification (germline): Conflicting classifications of pathogenicity. Review status: criteria provided, conflicting classifications (1 of 4 stars). 2 submissions from 2 submitters: Pathogenic (1); Uncertain significance (1). Last evaluated 2025-07-08.

Submissions (2):

Women's Health and Genetics/Laboratory Corporation of America, LabCorp
Classification: Uncertain significance. Last evaluated: 2025-07-08. Review status: criteria provided, single submitter. Criteria: LabCorp Variant Classification Summary - May 2015. Collection method: clinical testing. Allele origin: germline.
Comment: Variant summary: F8 c.6429+5G>A alters a nucleotide located close to a canonical splice site and therefore could affect mRNA splicing, leading to a significantly altered protein sequence. Several computational tools predict a significant impact on normal splicing: Three predict the variant abolishes a 5' splicing donor site. One predicts the variant weakens a 5' donor site. However, these predictions have yet to be confirmed by functional studies. The variant was absent in 182879 control chromosomes (gnomAD). The available data on variant occurrences in the general population are insufficient to allow any conclusion about variant significance. c.6429+5G>A has been observed in at least one individual affected with Factor VIII Deficiency (Hemophilia A) (Eckhardt_2013). The report does not provide unequivocal conclusions about association of the variant with Factor VIII Deficiency (Hemophilia A). To our knowledge, no experimental evidence demonstrating an impact on protein function has been reported. The following publication have been ascertained in the context of this evaluation (PMID: 23926300). ClinVar contains an entry for this variant (Variation ID: 2920945). Based on the evidence outlined above, the variant was classified as uncertain significance.

ARUP Laboratories, Molecular Genetics and Genomics, ARUP Laboratories
Classification: Pathogenic. Last evaluated: 2023-06-29. Review status: criteria provided, single submitter. Criteria: ARUP Molecular Germline Variant Investigation Process 2024. Collection method: clinical testing. Allele origin: germline.
Comment: The F8 c.6429+5G>A variant (rs2072977075) is reported in the literature in multiple individuals affected with moderate to severe hemophilia A (see F8 database, Eckhardt 2013, El- Maarri 2005, Klopp 2002). This variant is absent from the Genome Aggregation Database, indicating it is not a common polymorphism. This is an intronic variant in a moderately conserved nucleotide, and computational analyses (Alamut Visual Plus v.1.5.1) predict that this variant may impact splicing by weakening the nearby canonical donor splice site, which is consistent with the results of an RNA study in an affected patient that demonstrated skipping of exon 22 (El-Maarri 2005). Based on available information, this variant is considered to be pathogenic. References: Link to Factor VIII database: Eckhardt CL et al. Factor VIII gene (F8) mutation and risk of inhibitor development in nonsevere hemophilia A. Blood. 2013 Sep 12;122(11):1954-62. PMID: 23926300. El-Maarri O et al. Analysis of mRNA in hemophilia A patients with undetectable mutations reveals normal splicing in the factor VIII gene. J Thromb Haemost. 2005 Feb;3(2):332-9. PMID: 15670040. Klopp N et al. 11 hemophilia A patients without mutations in the factor VIII encoding gene. Thromb Haemost. 2002 Aug;88(2):357-60. PMID: 12195713.

Literature cited by the submitters: PubMed 23926300 (cited by Women's Health and Genetics/Laboratory Corporation of America, LabCorp).

NM_000132.4(F8):c.6429+5G>A

Gene: F8 (coagulation factor VIII; minus strand). Cytogenetic location: Xq28.
Variant type: single nucleotide variant.
Coding change: c.6429+5G>A on transcript NM_000132.4 (MANE Select); 5 bases into the intron after coding-DNA position 6429, G replaced by A.
Molecular consequence: intron variant.
Genome position (GRCh38, 1-based): chrX:154,896,072, C>T on the plus strand (G>A on the coding strand, the complement: F8 is on the minus strand). VCF-style: chrX-154896072-C-T. GRCh37 (hg19) VCF-style: chrX-154124347-C-T.
Identifiers: ClinVar variation 2920945 (VCV002920945.2), dbSNP rs2072977075, ClinGen allele CA2466825992.